The following is an entry in ClinVar:

ClinVar aggregate classification (germline): Uncertain significance (1 of 4 stars; one submission).

Conditions:
Hereditary sensory and autonomic neuropathy type 6. Also called: HSAN VI; Neuropathy, hereditary sensory and autonomic, type VI. Identifiers: Orphanet 314381, MedGen C3539003, MONDO:0013839, OMIM 614653.
Epidermolysis bullosa simplex 3, localized or generalized intermediate, with BP230 deficiency (EBS3). Also called: Epidermolysis bullosa simplex due to BP230 deficiency; Epidermolysis bullosa simplex, autosomal recessive 2. Identifiers: Orphanet 412181, MedGen C3809470, MONDO:0014180, OMIM 615425.

Submission:

Labcorp Genetics (formerly Invitae), Labcorp
Classification: Uncertain significance for Epidermolysis bullosa simplex 3, localized or generalized intermediate, with BP230 deficiency; Hereditary sensory and autonomic neuropathy type 6. Last evaluated: 2022-01-11. Review status: criteria provided, single submitter. Criteria: Invitae Variant Classification Sherloc (09022015). Collection method: clinical testing. Allele origin: germline.
Comment: This variant has not been reported in the literature in individuals affected with DST-related conditions. In summary, the available evidence is currently insufficient to determine the role of this variant in disease. Therefore, it has been classified as a Variant of Uncertain Significance. Experimental studies and prediction algorithms are not available or were not evaluated, and the functional significance of this variant is currently unknown. This variant is not present in population databases (gnomAD no frequency). This sequence change replaces aspartic acid, which is acidic and polar, with valine, which is neutral and non-polar, at codon 4475 of the DST protein (p.Asp4475Val). The DST gene has multiple clinically relevant transcripts. This variant occurs in alternate transcript NM_015548.4, and corresponds to NM_001723.5:c.*132725A>T in the primary transcript.

NM_001374736.1(DST):c.21293A>T (p.Asp7098Val)

Gene: DST (dystonin; minus strand). Cytogenetic location: 6p12.1.
Variant type: single nucleotide variant.
Coding change: c.21293A>T on transcript NM_001374736.1 (MANE Select); coding-DNA position 21293, A replaced by T.
Protein change: p.Asp7098Val; replaces aspartic acid 7098 with valine.
Molecular consequence: missense variant.
Genome position (GRCh38, 1-based): chr6:56,482,792, T>A on the plus strand (A>T on the coding strand, the complement: DST is on the minus strand). VCF-style: chr6-56482792-T-A. GRCh37 (hg19) VCF-style: chr6-56347590-T-A.
Other names: c.14936A>T, p.Asp4979Val (NM_001144769.5); c.14522A>T, p.Asp4841Val (NM_001144770.2); c.21293A>T, p.Asp7098Val (NM_001374722.1); c.20333A>T, p.Asp6778Val (NM_001374729.1); c.14075A>T, p.Asp4692Val (NM_001374730.1); c.21320A>T, p.Asp7107Val (NM_001374734.1); c.14402A>T, p.Asp4801Val (NM_001386100.1, NM_183380.4); c.13424A>T, p.Asp4475Val (NM_015548.5); short protein forms D4801V, D4841V, D7098V, D4475V, D4692V, D4979V, D6778V, D7107V.
Identifiers: ClinVar variation 2189741 (VCV002189741.4), dbSNP rs1417629627, ClinGen allele CA364512244.
Genomic context (GRCh38, chr6:56,482,792, plus strand): 5'-CACACGGTCTCCCAGCGTGTGCTTAATTCCTGCATCTGGACCTTGACCCAGGAGGAGTCA[T>A]CCCGACTGCCTTCTATGAGTTCTCGGGCTGAGCGCTTCAGGGCCTGCACACTGCTGGTCC-3'
Protein context (NP_001361665.1, residues 7088-7108): SARELIEGSR[Asp7098Val]DSSWVKVQMQ